The following is an entry in ClinVar:

NM_022489.4(INF2):c.519C>T (p.Ser173=)

Gene: INF2 (inverted formin 2; plus strand). Cytogenetic location: 14q32.33.
Variant type: single nucleotide variant.
Coding change: c.519C>T on transcript NM_022489.4 (MANE Select); coding-DNA position 519, C replaced by T.
Protein change: p.Ser173=; no amino-acid change (serine 173 retained).
Molecular consequence: synonymous variant.
Genome position (GRCh38, 1-based): chr14:104,703,306, C>T. VCF-style: chr14-104703306-C-T. GRCh37 (hg19) VCF-style: chr14-105169643-C-T.
Other names: c.519C>T, p.Ser173= (NM_001031714.4, NM_032714.3).
Identifiers: ClinVar variation 385467 (VCV000385467.16), dbSNP rs780247558, ClinGen allele CA7372325.

ClinVar aggregate classification (germline): Likely benign. Review status: criteria provided, multiple submitters, no conflicts (2 of 4 stars). 4 submissions from 4 submitters: Likely benign (3). 1 of the submissions does not count toward it. Last evaluated 2025-02-13.

Conditions:
Inborn genetic diseases. Identifiers: MedGen C0950123, MeSH D030342.
INF2-related disorder. Also called: INF2-related condition.
Charcot-Marie-Tooth disease dominant intermediate E. Also called: CHARCOT-MARIE-TOOTH NEUROPATHY WITH FOCAL SEGMENTAL GLOMERULONEPHRITIS. Identifiers: Orphanet 93114, MedGen C4302667, MONDO:0013758, OMIM 614455.
Focal segmental glomerulosclerosis 5 (FSGS5). Identifiers: Orphanet 656, MedGen C2750475, MONDO:0013191, OMIM 613237.

Allele frequency attached by ClinVar (database versions not stated): TOPMed 0.00002; gnomAD exomes 0.00003; ExAC 0.00004; gnomAD 0.00004 and 0.00005.
gnomAD v4.1: 54 of 1,613,032 alleles (0.0033%); highest among the groups gnomAD compares: Middle Eastern, 0.016%; no homozygotes.

Submissions (4):

Labcorp Genetics (formerly Invitae), Labcorp
Classification: Likely benign for Charcot-Marie-Tooth disease dominant intermediate E; Focal segmental glomerulosclerosis 5. Last evaluated: 2025-02-13. Review status: criteria provided, single submitter. Criteria: Invitae Variant Classification Sherloc (09022015). Collection method: clinical testing. Allele origin: germline.

Ambry Genetics
Classification: Likely benign for Inborn genetic diseases. Last evaluated: 2019-07-11. Review status: criteria provided, single submitter. Criteria: Ambry Variant Classification Scheme 2023. Collection method: clinical testing. Allele origin: germline.

GeneDx
Classification: Likely benign. Last evaluated: 2018-11-05. Review status: criteria provided, single submitter. Criteria: GeneDx Variant Classification Process June 2021. Collection method: clinical testing. Allele origin: germline. Affected: yes.

PreventionGenetics, part of Exact Sciences
Classification: Likely benign for INF2-related condition. Last evaluated: 2019-03-04. Review status: no assertion criteria provided. Collection method: clinical testing. Allele origin: germline. Not counted in ClinVar's aggregate classification.
Comment: This variant is classified as likely benign based on ACMG/AMP sequence variant interpretation guidelines (Richards et al. 2015 PMID: 25741868, with internal and published modifications).